The following is an entry in ClinVar:

NM_001351132.2(PEX5):c.1718G>A (p.Arg573Gln)

Gene: PEX5 (peroxisomal biogenesis factor 5; plus strand). Cytogenetic location: 12p13.31.
Variant type: single nucleotide variant.
Coding change: c.1718G>A on transcript NM_001351132.2 (MANE Select); coding-DNA position 1718, G replaced by A.
Protein change: p.Arg573Gln; replaces arginine 573 with glutamine.
Molecular consequence: missense variant.
Genome position (GRCh38, 1-based): chr12:7,209,840, G>A. VCF-style: chr12-7209840-G-A. GRCh37 (hg19) VCF-style: chr12-7362436-G-A.
Other names: c.1694G>A, p.Arg565Gln (NM_000319.5); c.1763G>A, p.Arg588Gln (NM_001131023.2); c.1607G>A, p.Arg536Gln (NM_001131024.2, NM_001351124.3, NM_001351126.2 and 7 more transcripts); c.1718G>A, p.Arg573Gln (NM_001131025.2, NM_001131026.2, NM_001300789.3 and 4 more transcripts); c.1652G>A, p.Arg551Gln (NM_001351135.3, NM_001351138.2); c.1709G>A, p.Arg570Gln (NM_001351136.2); c.1583G>A, p.Arg528Gln (NM_001351139.2, NM_001351140.2, NM_001374649.2); short protein forms R528Q, R551Q, R565Q, R573Q, R536Q, R570Q, R588Q.
Identifiers: ClinVar variation 1038834 (VCV001038834.6), dbSNP rs776481733, ClinGen allele CA6426552.

ClinVar aggregate classification (germline): Uncertain significance (1 of 4 stars; one submission).

Conditions:
Peroxisome biogenesis disorder 2B (PBD2B). Identifiers: Orphanet 44, MedGen C3550234, MONDO:0008736, OMIM 202370.

Allele frequency attached by ClinVar (database versions not stated): gnomAD exomes 0.00001; ExAC 0.00002.
gnomAD v4.1: 6 of 1,614,180 alleles (0.00037%); highest among the groups gnomAD compares: South Asian, 0.0066%; no homozygotes.

Submission:

Labcorp Genetics (formerly Invitae), Labcorp
Classification: Uncertain significance for Peroxisome biogenesis disorder 2B. Last evaluated: 2021-08-26. Review status: criteria provided, single submitter. Criteria: Invitae Variant Classification Sherloc (09022015). Collection method: clinical testing. Allele origin: germline.
Comment: This sequence change replaces arginine with glutamine at codon 573 of the PEX5 protein (p.Arg573Gln). The arginine residue is moderately conserved and there is a small physicochemical difference between arginine and glutamine. This variant also falls at the last nucleotide of exon 15, which is part of the consensus splice site for this exon. This variant is present in population databases (rs776481733, ExAC 0.01%). This variant has not been reported in the literature in individuals affected with PEX5-related conditions. Algorithms developed to predict the effect of missense changes on protein structure and function (SIFT, PolyPhen-2, Align-GVGD) all suggest that this variant is likely to be tolerated. Variants that disrupt the consensus splice site are a relatively common cause of aberrant splicing (PMID: 17576681, 9536098). Algorithms developed to predict the effect of sequence changes on RNA splicing suggest that this variant may disrupt the consensus splice site. In summary, the available evidence is currently insufficient to determine the role of this variant in disease. Therefore, it has been classified as a Variant of Uncertain Significance.

Literature cited by the submitters: PubMed 17576681; PubMed 9536098.